The following is an entry in ClinVar:

NM_000426.4(LAMA2):c.1429A>T (p.Lys477Ter)

Gene: LAMA2 (laminin subunit alpha 2; plus strand). Cytogenetic location: 6q22.33.
Variant type: single nucleotide variant.
Coding change: c.1429A>T on transcript NM_000426.4 (MANE Select); coding-DNA position 1429, A replaced by T.
Protein change: p.Lys477Ter; replaces lysine 477 with a stop codon.
Molecular consequence: nonsense.
Genome position (GRCh38, 1-based): chr6:129,177,828, A>T. VCF-style: chr6-129177828-A-T. GRCh37 (hg19) VCF-style: chr6-129498973-A-T.
Other names: c.1429A>T, p.Lys477Ter (NM_001079823.2); short protein forms K477*.
Identifiers: ClinVar variation 1724192 (VCV001724192.3), dbSNP rs1223081122, ClinGen allele CA365607654.
Genomic context (GRCh38, chr6:129,177,828, plus strand): 5'-GCCAGGGGCTACACTGGCTACCCGGACTGCAAAGCCTGTAACTGCAGTGGGTTAGGGAGC[A>T]AAAATGAGGATCCTTGTTTTGGCCCCTGTATCTGCAAGGTACATTGTTTATTCCAGTAAT-3'

ClinVar aggregate classification (germline): Likely pathogenic (1 of 4 stars; one submission).

Conditions:
LAMA2-related muscular dystrophy (LAMA2-RD). Also called: Laminin alpha 2-related dystrophy. Identifiers: MedGen C5679788, MONDO:0100228.

Submission:

Myriad Genetics, Inc.
Classification: Likely pathogenic for LAMA2-related muscular dystrophy. Last evaluated: 2022-02-01. Review status: criteria provided, single submitter. Criteria: Myriad Autosomal Dominant, Autosomal Recessive and X-Linked Classification Criteria (2023). Collection method: clinical testing. Allele origin: unknown.
Comment: NM_000426.3(LAMA2):c.1429A>T(K477*) is expected to be pathogenic in the context of muscular dystrophy, LAMA2-related. This variant is predicted to lead to an abnormal or absent protein product due to the creation of a premature termination codon in LAMA2, a gene where loss-of-function variants are known to be pathogenic. Please note: this variant was assessed in the context of healthy population screening.